The following is an entry in ClinVar:

NM_006164.5(NFE2L2):c.513G>C (p.Gln171His)

Gene: NFE2L2 (NFE2 like bZIP transcription factor 2; minus strand). Cytogenetic location: 2q31.2.
Variant type: single nucleotide variant.
Coding change: c.513G>C on transcript NM_006164.5 (MANE Select); coding-DNA position 513, G replaced by C.
Protein change: p.Gln171His; replaces glutamine 171 with histidine.
Molecular consequence: missense variant.
Genome position (GRCh38, 1-based): chr2:177,232,473, C>G on the plus strand (G>C on the coding strand, the complement: NFE2L2 is on the minus strand). VCF-style: chr2-177232473-C-G. GRCh37 (hg19) VCF-style: chr2-178097201-C-G.
Other names: c.465G>C, p.Gln155His (NM_001145412.3, NM_001313900.1, NM_001313901.1); c.444G>C, p.Gln148His (NM_001145413.3); c.423G>C, p.Gln141His (NM_001313902.2); c.294G>C, p.Gln98His (NM_001313903.2); c.213G>C, p.Gln71His (NM_001313904.1); short protein forms Q141H, Q148H, Q155H, Q171H, Q71H, Q98H.
Identifiers: ClinVar variation 4885354 (VCV004885354.2).

ClinVar aggregate classification (germline): Uncertain significance (1 of 4 stars; one submission).

gnomAD v4.1: 1 of 1,613,968 alleles (0.000062%); highest among the groups gnomAD compares: African/African-American, 0.0013%; no homozygotes.

Submission:

Dasa
Classification: Uncertain significance. Last evaluated: 2025-01-29. Review status: criteria provided, single submitter. Criteria: DASA Assertion Criteria. Collection method: clinical testing. Allele origin: germline.
Comment: NM_006164.5(NFE2L2):c.513G>C (p.Gln171His) is a missense variant that results in the substitution of glutamine with histidine. This variant is rare in population databases. Computational prediction algorithms are consistent with a benign effect. The currently available literature and clinical evidence are not sufficient to establish a definitive association between this variant and the reported condition. Therefore, this variant is classified as a variant of uncertain significance.